The following is an entry in ClinVar:

ClinVar aggregate classification (germline): Pathogenic (1 of 4 stars; one submission).

Conditions:
Neurodevelopmental disorder. Identifiers: MedGen C1535926, MeSH D065886, MONDO:0700092.

Submission:

Laboratory of Molecular Genetics (Pr. Bezieau's lab), CHU de Nantes
Classification: Pathogenic for Neurodevelopmental disorder. Last evaluated: 2026-05-27. Review status: criteria provided, single submitter. Criteria: ACMG Guidelines, 2015. Collection method: clinical testing. Allele origin: de novo. Inheritance: Autosomal dominant inheritance. Affected: yes. Observed: 1 variant allele, 1 heterozygote.
Comment: Evidence for loss of function/haploinsufficiency being pathogenic in PMID: 41415500. ACMG criteria: PVS1, PS2, PM2. Protein change: p.(Asn89Glnfs*31).

Literature cited by the submitters: PubMed 41415500.

NM_006196.4(PCBP1):c.264dup (p.Asn89fs)

Genes: PCBP1 (poly(rC) binding protein 1; plus strand), PCBP1-AS1 (PCBP1 antisense RNA 1; minus strand). Cytogenetic location: 2p13.3.
Variant type: Duplication.
Coding change: c.264dup on transcript NM_006196.4 (MANE Select); coding-DNA position 264, one base duplicated (C; older notation c.264dupC).
Protein change: p.Asn89fs; shifts the reading frame from asparagine 89.
Molecular consequence: frameshift variant. On other transcripts: non-coding transcript variant (5).
Genome position (GRCh38, 1-based): chr2:70,088,007, C duplicated; the last of 2 consecutive C bases (chr2:70,088,006-70,088,007); duplicating either gives the same sequence. VCF-style (leftmost placement, unchanged base first): chr2-70088005-A-AC. GRCh37 (hg19) VCF-style: chr2-70315137-A-AC.
Other names: short protein forms N89fs.
Identifiers: ClinVar variation 4852570 (VCV004852570.1).